The following is an entry in ClinVar:

NM_000077.5(CDKN2A):c.331G>A (p.Gly111Ser)

Gene: CDKN2A (cyclin dependent kinase inhibitor 2A; minus strand). Cytogenetic location: 9p21.3.
Variant type: single nucleotide variant.
Coding change: c.331G>A on transcript NM_000077.5; coding-DNA position 331, G replaced by A.
Protein change: p.Gly111Ser; replaces glycine 111 with serine.
Molecular consequence: missense variant (on NM_000077.6). On other transcripts: 3 prime UTR variant (1).
Genome position (GRCh38, 1-based): chr9:21,971,028, C>T on the plus strand (G>A on the coding strand, the complement: CDKN2A is on the minus strand). VCF-style: chr9-21971028-C-T. GRCh37 (hg19) VCF-style: chr9-21971027-C-T.
Other names: c.331G>A, p.Gly111Ser (NM_000077.6, NM_001195132.2); c.178G>A, p.Gly60Ser (NM_001363763.2); c.374G>A, p.Gly125Glu (NM_058195.4); c.*254G>A (NM_058197.5); short protein forms G111S, G125E, G60S.
Identifiers: ClinVar variation 463499 (VCV000463499.20), dbSNP rs778971134, ClinGen allele CA5012180.
Genomic context (GRCh38, chr9:21,971,028, plus strand): 5'-GCAGGTACCGTGCGACATCGCGATGGCCCAGCTCCTCAGCCAGGTCCACGGGCAGACGGC[C>T]CCAGGCATCGCGCACGTCCAGCCGCGCCCCGGCCCGGTGCAGCACCACCAGCGTGTCCAG-3'
Protein context (NP_000068.1, residues 101-121): GARLDVRDAW[Gly111Ser]RLPVDLAEEL

ClinVar aggregate classification (germline): Uncertain significance. Review status: criteria provided, multiple submitters, no conflicts (2 of 4 stars). 5 submissions from 5 submitters: Uncertain significance (4). 1 of the submissions does not count toward it. Last evaluated 2025-11-24.

Conditions:
Melanoma-pancreatic cancer syndrome. Identifiers: Orphanet 404560, MedGen C1838547, MONDO:0011713, OMIM 606719. Disease mechanism: loss of function.
Familial melanoma. Also called: Hereditary melanoma; Hereditary cutaneous melanoma. Identifiers: Orphanet 618, MedGen C1512419, MONDO:0018961.
Hereditary cancer-predisposing syndrome. Also called: Hereditary neoplastic syndrome; Neoplastic Syndromes, Hereditary; Hereditary Cancer Syndrome; Tumor predisposition. Identifiers: Orphanet 140162, MedGen C0027672, MeSH D009386, MONDO:0015356.

Allele frequency attached by ClinVar (database versions not stated): gnomAD exomes below 0.00001; ExAC 0.00001.
gnomAD v4.1: 6 of 1,606,720 alleles (0.00037%); highest among the groups gnomAD compares: Non-Finnish European, 0.00051%; no homozygotes.

Submissions (5):

Labcorp Genetics (formerly Invitae), Labcorp
Classification: Uncertain significance for Familial melanoma. Last evaluated: 2025-11-24. Review status: criteria provided, single submitter. Criteria: Invitae Variant Classification Sherloc (09022015). Collection method: clinical testing. Allele origin: germline.
Comment: The CDKN2A gene encodes two different proteins, p16INK4a and p14ARF, which are translated from alternative transcripts with different open reading frames. Both transcripts have been analyzed. We report either the variant with the higher classification or default to the CDKN2A (p16INK4a) variant. This report therefore includes the details for the CDKN2A (p16INK4a) variant. This sequence change replaces glycine, which is neutral and non-polar, with serine, which is neutral and polar, at codon 111 of the CDKN2A (p16INK4a) protein (p.Gly111Ser). This variant is present in population databases (rs778971134, gnomAD 0.0009%). This missense change has been observed in individual(s) with melanoma (PMID: 21325014). This variant is also known as c.374G>A (p.Gly125Glu) in the CDKN2A (p14ARF) transcript. ClinVar contains an entry for this variant (Variation ID: 463499). An algorithm developed to predict the effect of missense changes on protein structure and function (PolyPhen-2) suggests that this variant is likely to be tolerated. Experimental studies have shown that this missense change does not substantially affect CDKN2A (p16INK4a) function (PMID: 35001868). In summary, the available evidence is currently insufficient to determine the role of this variant in disease. Therefore, it has been classified as a Variant of Uncertain Significance.

Ambry Genetics
Classification: Uncertain significance for Hereditary cancer-predisposing syndrome. Last evaluated: 2025-04-15. Review status: criteria provided, single submitter. Criteria: Ambry Variant Classification Scheme 2023. Collection method: clinical testing. Allele origin: germline.
Comment: The p.G111S variant (also known as c.331G>A), located in coding exon 2 of the CDKN2A gene, results from a G to A substitution at nucleotide position 331. The glycine at codon 111 is replaced by serine, an amino acid with similar properties. This alteration has been reported in two population-based studies of individuals affected with melanoma, but was not reported in 1084 controls (Harland M et al. Hered Cancer Clin Pract. 2014 Nov;12:20; Cust AE et al. J. Med. Genet. 2011 Apr;48:266-72). A functional study reported this variant as neutral based on in vitro assessment of the impact on proliferation in human pancreatic cancer cell lines (Kimura H et al. Elife. 2022 01;11:). This amino acid position is well conserved in available vertebrate species. In addition, the in silico prediction for this alteration is inconclusive. Of note, this alteration is also known as c.374G>A (p.Gly125Glu) in the p14(ARF) isoform. Since supporting evidence is limited at this time, the clinical significance of this alteration remains unclear.

Color Diagnostics, LLC DBA Color Health
Classification: Uncertain significance for Hereditary cancer-predisposing syndrome. Last evaluated: 2024-02-12. Review status: criteria provided, single submitter. Criteria: ACMG Guidelines, 2015. Collection method: clinical testing. Allele origin: germline.
Comment: The CDKN2A locus encodes two different gene products, p16INK4a and p14ARF. This missense variant replaces glycine with serine at codon 111 of the CDKN2A (p16INK4A) protein. Computational prediction suggests that this variant may not impact protein structure and function. In a functional study, this variant did not impact cell cycle progression (PMID: 35001868). This variant has been reported in an individual affected with melanoma (PMID: 21325014). This variant has been identified in 1/237514 chromosomes in the general population by the Genome Aggregation Database (gnomAD). The available evidence is insufficient to determine the role of this variant in disease conclusively. Therefore, this variant is classified as a Variant of Uncertain Significance.

Myriad Genetics, Inc.
Classification: Uncertain significance for Melanoma-pancreatic cancer syndrome. Last evaluated: 2023-04-20. Review status: criteria provided, single submitter. Criteria: Myriad Autosomal Dominant, Autosomal Recessive and X-Linked Classification Criteria (2023). Collection method: clinical testing. Allele origin: unknown.
Comment: This variant is classified as a variant of uncertain significance as there is insufficient evidence to determine its impact on protein function and/or cancer risk.

Counsyl
Classification: Uncertain significance for Melanoma-pancreatic cancer syndrome. Last evaluated: 2017-08-22. Review status: no assertion criteria provided. Collection method: clinical testing. Allele origin: unknown. Not counted in ClinVar's aggregate classification.

Literature cited by the submitters: PubMed 21325014 (cited by 3 submitters); PubMed 35001868 (cited by 3 submitters); PubMed 25780468 (cited by Ambry Genetics and Counsyl).